The following is an entry in ClinVar:

NM_000548.5(TSC2):c.20_21del (p.Lys7fs)

Gene: TSC2 (TSC complex subunit 2; plus strand). Cytogenetic location: 16p13.3.
Variant type: Deletion.
Coding change: c.20_21del on transcript NM_000548.5 (MANE Select); coding-DNA positions 20 to 21, 2 bases deleted (AA; older notation c.20_21delAA).
Protein change: p.Lys7fs; shifts the reading frame from lysine 7.
Molecular consequence: frameshift variant. On other transcripts: intron variant (1), 5 prime UTR variant (1).
Genome position (GRCh38, 1-based): chr16:2,048,635-2,048,636, AA deleted; deleting any 2 consecutive bases within chr16:2,048,634-2,048,636 gives the same sequence; the c. name uses the placement nearest the transcript's 3' end. VCF-style (leftmost placement, unchanged base first): chr16-2048633-CAA-C. GRCh37 (hg19) VCF-style: chr16-2098634-CAA-C.
Other names: c.53_54del, p.Lys18fs (NM_001318832.2); c.20_21del, p.Lys7fs (NM_001363528.2, NM_001370404.1, NM_001370405.1 and 4 more transcripts); c.-10+570_-10+571del (NM_001318829.2); c.-207_-206del (NM_001318831.2); short protein forms K18fs, K7fs.
Identifiers: ClinVar variation 1456721 (VCV001456721.6), dbSNP rs137854019, ClinGen allele CA2573151834.

ClinVar aggregate classification (germline): Pathogenic (1 of 4 stars; one submission).

Conditions:
Tuberous sclerosis 2 (TSC2). Identifiers: Orphanet 805, MedGen C1860707, MONDO:0013199, OMIM 613254.

Submission:

Labcorp Genetics (formerly Invitae), Labcorp
Classification: Pathogenic for Tuberous sclerosis 2. Last evaluated: 2021-12-20. Review status: criteria provided, single submitter. Criteria: Invitae Variant Classification Sherloc (09022015). Collection method: clinical testing. Allele origin: germline.
Comment: For these reasons, this variant has been classified as Pathogenic. This variant has not been reported in the literature in individuals affected with TSC2-related conditions. This variant is not present in population databases (gnomAD no frequency). This sequence change creates a premature translational stop signal (p.Lys7Argfs*9) in the TSC2 gene. It is expected to result in an absent or disrupted protein product. Loss-of-function variants in TSC2 are known to be pathogenic (PMID: 10205261, 17304050).

Literature cited by the submitters: PubMed 10205261; PubMed 17304050.